The following is an entry in ClinVar:

ClinVar aggregate classification (germline): Uncertain significance (1 of 4 stars; one submission).

Conditions:
Nemaline myopathy 2 (NEM2). Also called: Nemaline myopathy 2, autosomal recessive. Identifiers: MedGen C1850569, MONDO:0009725, OMIM 256030.

Allele frequency attached by ClinVar (database versions not stated): gnomAD exomes below 0.00001; ExAC 0.00001.
gnomAD v4.1: 2 of 1,613,276 alleles (0.00012%); highest among the groups gnomAD compares: Non-Finnish European, 0.00017%; no homozygotes.

Submission:

Labcorp Genetics (formerly Invitae), Labcorp
Classification: Uncertain significance for Nemaline myopathy 2. Last evaluated: 2023-11-27. Review status: criteria provided, single submitter. Criteria: Invitae Variant Classification Sherloc (09022015). Collection method: clinical testing. Allele origin: germline.
Comment: This sequence change replaces valine, which is neutral and non-polar, with aspartic acid, which is acidic and polar, at codon 7894 of the NEB protein (p.Val7894Asp). This variant is present in population databases (rs754711510, gnomAD 0.0009%). This variant has not been reported in the literature in individuals affected with NEB-related conditions. ClinVar contains an entry for this variant (Variation ID: 1967265). Experimental studies and prediction algorithms are not available or were not evaluated, and the functional significance of this variant is currently unknown. In summary, the available evidence is currently insufficient to determine the role of this variant in disease. Therefore, it has been classified as a Variant of Uncertain Significance.

NM_001164508.2(NEB):c.23576T>A (p.Val7859Asp)

Genes: NEB (nebulin; minus strand), RIF1 (replication timing regulatory factor 1; plus strand). Cytogenetic location: 2q23.3.
Variant type: single nucleotide variant.
Coding change: c.23576T>A on transcript NM_001164508.2 (MANE Select); coding-DNA position 23576, T replaced by A.
Protein change: p.Val7859Asp; replaces valine 7859 with aspartic acid.
Molecular consequence: missense variant.
Genome position (GRCh38, 1-based): chr2:151,506,239, A>T on the plus strand (T>A on the coding strand, the complement: NEB is on the minus strand). VCF-style: chr2-151506239-A-T. GRCh37 (hg19) VCF-style: chr2-152362753-A-T.
Other names: c.23576T>A, p.Val7859Asp (NM_001164507.2); c.23681T>A, p.Val7894Asp (NM_001271208.2); c.18473T>A, p.Val6158Asp (NM_004543.5); short protein forms V7894D, V7859D, V6158D.
Identifiers: ClinVar variation 1967265 (VCV001967265.5), dbSNP rs754711510, ClinGen allele CA1906315.